The following is an entry in ClinVar:

ClinVar aggregate classification (germline): Uncertain significance (1 of 4 stars; one submission).

Submission:

GeneDx
Classification: Uncertain significance. Last evaluated: 2023-05-13. Review status: criteria provided, single submitter. Criteria: GeneDx Variant Classification Process June 2021. Collection method: clinical testing. Allele origin: germline. Affected: yes.
Comment: Not observed at significant frequency in large population cohorts (gnomAD); In silico analysis supports that this missense variant does not alter protein structure/function; Has not been previously published as pathogenic or benign to our knowledge

NM_002539.3(ODC1):c.1373G>C (p.Ser458Thr)

Gene: ODC1 (ornithine decarboxylase 1; minus strand). Cytogenetic location: 2p25.1.
Variant type: single nucleotide variant.
Coding change: c.1373G>C on transcript NM_002539.3 (MANE Select); coding-DNA position 1373, G replaced by C.
Protein change: p.Ser458Thr; replaces serine 458 with threonine.
Molecular consequence: missense variant.
Genome position (GRCh38, 1-based): chr2:10,440,737, C>G on the plus strand (G>C on the coding strand, the complement: ODC1 is on the minus strand). VCF-style: chr2-10440737-C-G. GRCh37 (hg19) VCF-style: chr2-10580863-C-G.
Other names: c.986G>C, p.Ser329Thr (NM_001287188.2); c.1373G>C, p.Ser458Thr (NM_001287189.2, NM_001287190.2); short protein forms S329T, S458T.
Identifiers: ClinVar variation 3343253 (VCV003343253.1).